The following is an entry in ClinVar:

ClinVar aggregate classification (germline): Likely pathogenic. Review status: criteria provided, multiple submitters, no conflicts (2 of 4 stars). 2 submissions from 2 submitters: Likely pathogenic (2). Last evaluated 2025-08-29.

Conditions:
Osteogenesis imperfecta (OI). Identifiers: Orphanet 666, MedGen C0029434, MeSH D010013, MONDO:0019019.

Submissions (2):

Labcorp Genetics (formerly Invitae), Labcorp
Classification: Likely pathogenic. Last evaluated: 2025-08-29. Review status: criteria provided, single submitter. Criteria: Invitae Variant Classification Sherloc (09022015). Collection method: clinical testing. Allele origin: germline.
Comment: This sequence change falls in intron 6 of the SERPINF1 gene. It does not directly change the encoded amino acid sequence of the SERPINF1 protein. RNA analysis indicates that this variant induces altered splicing and likely results in the gain of 21 amino acid residue(s), but is expected to preserve the integrity of the reading-frame. This variant is not present in population databases (gnomAD no frequency). This variant has been observed in individual(s) with osteogenesis imperfecta (PMID: 28116328). It has also been observed to segregate with disease in related individuals. This variant is also known as c.786+715G>A. ClinVar contains an entry for this variant (Variation ID: 1329009). Studies have shown that this variant results in the activation of a cryptic splice site in intron 6 (PMID: 28116328). In summary, the currently available evidence indicates that the variant is pathogenic, but additional data are needed to prove that conclusively. Therefore, this variant has been classified as Likely Pathogenic.

Women's Health and Genetics/Laboratory Corporation of America, LabCorp
Classification: Likely pathogenic for Osteogenesis imperfecta. Last evaluated: 2021-11-16. Review status: criteria provided, single submitter. Criteria: LabCorp Variant Classification Summary - May 2015. Collection method: clinical testing. Allele origin: germline.
Comment: Variant summary: SERPINF1 c.787-617G>A is located at a position not widely known to affect splicing. Several computational tools predict a significant impact on normal splicing: Three predict the variant creates a cryptic 3 acceptor site. At least one publication reports experimental evidence that this variant creates an acceptor splice site resulting in a cryptic exon (Caparros-Martin_2016). The variant was absent in 31402 control chromosomes (gnomAD). c.787-617G>A has been reported in the literature in two homozygous siblings affected with Osteogenesis Imperfecta IV (Caparros-Martin_2016). These data indicate that the variant may be associated with disease. No clinical diagnostic laboratories have submitted clinical-significance assessments for this variant to ClinVar after 2014. Based on the evidence outlined above, the variant was classified as likely pathogenic.

Literature cited by the submitters: PubMed 28116328 (cited by Labcorp Genetics (formerly Invitae), Labcorp and Women's Health and Genetics/Laboratory Corporation of America, LabCorp); PubMed 32413570 (cited by Women's Health and Genetics/Laboratory Corporation of America, LabCorp); PubMed 33093841 (cited by Women's Health and Genetics/Laboratory Corporation of America, LabCorp).

NM_002615.7(SERPINF1):c.787-617G>A

Gene: SERPINF1 (serpin family F member 1; plus strand). Cytogenetic location: 17p13.3.
Variant type: single nucleotide variant.
Coding change: c.787-617G>A on transcript NM_002615.7 (MANE Select); 617 bases into the intron before coding-DNA position 787, G replaced by A.
Molecular consequence: intron variant.
Genome position (GRCh38, 1-based): chr17:1,775,915, G>A. VCF-style: chr17-1775915-G-A. GRCh37 (hg19) VCF-style: chr17-1679209-G-A.
Other names: c.226-617G>A (NM_001329904.2, NM_001329905.2); c.787-617G>A (NM_001329903.2).
Identifiers: ClinVar variation 1329009 (VCV001329009.2), dbSNP rs2151212328, ClinGen allele CA2573054340.